The following is an entry in ClinVar:

ClinVar aggregate classification (germline): Uncertain significance (0 of 4 stars; one submission).

Conditions:
CACNA1I-related disorder. Also called: CACNA1I-related condition.

Submission:

PreventionGenetics, part of Exact Sciences
Classification: Uncertain significance for CACNA1I-related condition. Last evaluated: 2023-11-29. Review status: no assertion criteria provided. Collection method: clinical testing. Allele origin: germline.
Comment: The CACNA1I c.2400C>A variant is predicted to result in the amino acid substitution p.Asp800Glu. To our knowledge, this variant has not been reported in the literature or in a large population database, indicating this variant is rare. At this time, the clinical significance of this variant is uncertain due to the absence of conclusive functional and genetic evidence.

NM_021096.4(CACNA1I):c.2400C>A (p.Asp800Glu)

Gene: CACNA1I (calcium voltage-gated channel subunit alpha1 I; plus strand). Cytogenetic location: 22q13.1.
Variant type: single nucleotide variant.
Coding change: c.2400C>A on transcript NM_021096.4 (MANE Select); coding-DNA position 2400, C replaced by A.
Protein change: p.Asp800Glu; replaces aspartic acid 800 with glutamic acid.
Molecular consequence: missense variant.
Genome position (GRCh38, 1-based): chr22:39,659,502, C>A. VCF-style: chr22-39659502-C-A. GRCh37 (hg19) VCF-style: chr22-40055507-C-A.
Other names: c.2295C>A, p.Asp765Glu (NM_001003406.2); short protein forms D765E, D800E.
Identifiers: ClinVar variation 3032724 (VCV003032724.2), dbSNP rs2518159424, ClinGen allele CA411653021.